The following is an entry in ClinVar:

NM_176869.3(PPA2):c.869+4A>T

Gene: PPA2 (inorganic pyrophosphatase 2; minus strand). Cytogenetic location: 4q24.
Variant type: single nucleotide variant.
Coding change: c.869+4A>T on transcript NM_176869.3 (MANE Select); 4 bases into the intron after coding-DNA position 869, A replaced by T.
Molecular consequence: intron variant.
Genome position (GRCh38, 1-based): chr4:105,396,245, T>A on the plus strand (A>T on the coding strand, the complement: PPA2 is on the minus strand). VCF-style: chr4-105396245-T-A. GRCh37 (hg19) VCF-style: chr4-106317402-T-A.
Other names: c.371+4A>T (NM_176867.3); c.563+4A>T (NM_176866.2); c.782+4A>T (NM_006903.4).
Identifiers: ClinVar variation 1367281 (VCV001367281.3), dbSNP rs752480899, ClinGen allele CA3032401.

ClinVar aggregate classification (germline): Uncertain significance (1 of 4 stars; one submission).

Allele frequency attached by ClinVar (database versions not stated): TOPMed 0.00001; gnomAD 0.00005; gnomAD exomes 0.00010 and 0.00021; ExAC 0.00032.
gnomAD v4.1: 142 of 1,541,970 alleles (0.0092%); highest among the groups gnomAD compares: South Asian, 0.17%; 3 homozygotes.

Submission:

Labcorp Genetics (formerly Invitae), Labcorp
Classification: Uncertain significance. Last evaluated: 2021-12-20. Review status: criteria provided, single submitter. Criteria: Invitae Variant Classification Sherloc (09022015). Collection method: clinical testing. Allele origin: germline.
Comment: This sequence change falls in intron 9 of the PPA2 gene. It does not directly change the encoded amino acid sequence of the PPA2 protein. It affects a nucleotide within the consensus splice site. This variant is present in population databases (rs752480899, gnomAD 0.2%). This variant has not been reported in the literature in individuals affected with PPA2-related conditions. Variants that disrupt the consensus splice site are a relatively common cause of aberrant splicing (PMID: 17576681, 9536098). Algorithms developed to predict the effect of sequence changes on RNA splicing suggest that this variant may disrupt the consensus splice site. In summary, the available evidence is currently insufficient to determine the role of this variant in disease. Therefore, it has been classified as a Variant of Uncertain Significance.

Literature cited by the submitters: PubMed 17576681; PubMed 9536098.